The following is an entry in ClinVar:

ClinVar aggregate classification (germline): Uncertain significance. Review status: criteria provided, multiple submitters, no conflicts (2 of 4 stars). 2 submissions from 2 submitters: Uncertain significance (2). Last evaluated 2025-02-28.

Conditions:
Pancreatic adenocarcinoma. Identifiers: MedGen C0281361, MONDO:0006047, HP:0006725.

gnomAD v4.1: 1 of 1,491,914 alleles (0.000067%); highest among the groups gnomAD compares: Non-Finnish European, 0.000089%; no homozygotes.

Submissions (2):

Ambry Genetics
Classification: Uncertain significance. Last evaluated: 2025-02-28. Review status: criteria provided, single submitter. Criteria: Ambry Variant Classification Scheme 2023. Collection method: clinical testing. Allele origin: germline.
Comment: The p.P89S variant (also known as c.265C>T), located in coding exon 1 of the PALLD gene, results from a C to T substitution at nucleotide position 265. The proline at codon 89 is replaced by serine, an amino acid with similar properties. This amino acid position is conserved. In addition, the in silico prediction for this alteration is inconclusive. Based on the available evidence, the clinical significance of this variant remains unclear.

Labcorp Genetics (formerly Invitae), Labcorp
Classification: Uncertain significance for Pancreatic adenocarcinoma. Last evaluated: 2023-06-20. Review status: criteria provided, single submitter. Criteria: Invitae Variant Classification Sherloc (09022015). Collection method: clinical testing. Allele origin: germline.
Comment: This sequence change replaces proline, which is neutral and non-polar, with serine, which is neutral and polar, at codon 89 of the PALLD protein (p.Pro89Ser). In summary, the available evidence is currently insufficient to determine the role of this variant in disease. Therefore, it has been classified as a Variant of Uncertain Significance. An algorithm developed to predict the effect of missense changes on protein structure and function (PolyPhen-2) suggests that this variant is likely to be tolerated. This variant has not been reported in the literature in individuals affected with PALLD-related conditions. This variant is not present in population databases (gnomAD no frequency).

NM_001166108.2(PALLD):c.1965-12766C>T

Gene: PALLD (palladin, cytoskeletal associated protein; plus strand). Cytogenetic location: 4q32.3.
Variant type: single nucleotide variant.
Coding change: c.1965-12766C>T on transcript NM_001166108.2 (MANE Select); 12766 bases into the intron before coding-DNA position 1965, C replaced by T.
Molecular consequence: intron variant. On other transcripts: missense variant (1).
Genome position (GRCh38, 1-based): chr4:168,878,156, C>T. VCF-style: chr4-168878156-C-T. GRCh37 (hg19) VCF-style: chr4-169799307-C-T.
Other names: c.265C>T (NM_001166110.1); c.265C>T, p.Pro89Ser (NM_001166110.2); c.1965-12766C>T (NM_016081.4); c.819-12766C>T (NM_001166109.2); c.-157-12766C>T (NM_001367570.1, NM_001367568.1, NM_001367567.1 and 1 more transcripts); short protein forms P89S.
Identifiers: ClinVar variation 2955853 (VCV002955853.4), dbSNP rs1474373660, ClinGen allele CA358795875.